The following is an entry in ClinVar:

ClinVar aggregate classification (germline): Uncertain significance (1 of 4 stars; one submission).

Conditions:
Adult-onset proximal spinal muscular atrophy, autosomal dominant. Also called: Spinal muscular atrophy, late-onset, finkel type; FINKEL LATE-ADULT TYPE SMA. Identifiers: Orphanet 209335, MedGen C1854058, MONDO:0008453, OMIM 182980.
Amyotrophic lateral sclerosis type 8 (ALS8). Identifiers: Orphanet 803, MedGen C1837728, MONDO:0012077, OMIM 608627.

Submission:

Labcorp Genetics (formerly Invitae), Labcorp
Classification: Uncertain significance for Adult-onset proximal spinal muscular atrophy, autosomal dominant; Amyotrophic lateral sclerosis type 8. Last evaluated: 2022-07-12. Review status: criteria provided, single submitter. Criteria: Invitae Variant Classification Sherloc (09022015). Collection method: clinical testing. Allele origin: germline.
Comment: ClinVar contains an entry for this variant (Variation ID: 1463105). In summary, the available evidence is currently insufficient to determine the role of this variant in disease. Therefore, it has been classified as a Variant of Uncertain Significance. Algorithms developed to predict the effect of missense changes on protein structure and function are either unavailable or do not agree on the potential impact of this missense change (SIFT: "Not Available"; PolyPhen-2: "Benign"; Align-GVGD: "Not Available"). This variant has not been reported in the literature in individuals affected with VAPB-related conditions. This variant is not present in population databases (gnomAD no frequency). This sequence change replaces alanine, which is neutral and non-polar, with aspartic acid, which is acidic and polar, at codon 226 of the VAPB protein (p.Ala226Asp).

NM_004738.5(VAPB):c.677C>A (p.Ala226Asp)

Gene: VAPB (VAMP associated protein B and C; plus strand). Cytogenetic location: 20q13.32.
Variant type: single nucleotide variant.
Coding change: c.677C>A on transcript NM_004738.5 (MANE Select); coding-DNA position 677, C replaced by A.
Protein change: p.Ala226Asp; replaces alanine 226 with aspartic acid.
Molecular consequence: missense variant. On other transcripts: 3 prime UTR variant (1), non-coding transcript variant (1).
Genome position (GRCh38, 1-based): chr20:58,444,180, C>A. VCF-style: chr20-58444180-C-A. GRCh37 (hg19) VCF-style: chr20-57019236-C-A.
Other names: c.*15C>A (NM_001195677.2); short protein forms A226D.
Identifiers: ClinVar variation 1463105 (VCV001463105.8), dbSNP rs2123105103, ClinGen allele CA409440310.
Genomic context (GRCh38, chr20:58,444,180, plus strand): 5'-GCCCCATTTCAGCATTAGCCCCAACTGGGAAGGAAGAAGGCCTTAGCACCCGGCTCTTGG[C>A]TCTGGTGGTTTTGTTCTTTATCGTTGGTGTAATTATTGGGAAGATTGCCTTGTAGAGGTA-3'
Protein context (NP_004729.1, residues 216-236): KEEGLSTRLL[Ala226Asp]LVVLFFIVGV